The following is an entry in ClinVar:

ClinVar aggregate classification (germline): Uncertain significance. Review status: criteria provided, single submitter (1 of 4 stars). 2 submissions from 2 submitters: Uncertain significance (1). 1 of the submissions does not count toward it. Last evaluated 2021-09-01.

Conditions:
GNPTG-mucolipidosis. Also called: MUCOLIPIDOSIS III, COMPLEMENTATION GROUP C; MUCOLIPIDOSIS III, IRANIAN VARIANT FORM; MUCOLIPIDOSIS III, VARIANT FORM; ML III GAMMA; ML IIIC; Mucolipidosis type III gamma. Identifiers: Orphanet 423470, Orphanet 577, MedGen C1854896, MONDO:0009652, OMIM 252605.

Allele frequency attached by ClinVar (database versions not stated): gnomAD exomes below 0.00001; TOPMed 0.00003.

Submissions (2):

Labcorp Genetics (formerly Invitae), Labcorp
Classification: Uncertain significance. Last evaluated: 2021-09-01. Review status: criteria provided, single submitter. Criteria: Invitae Variant Classification Sherloc (09022015). Collection method: clinical testing. Allele origin: germline.
Comment: This sequence change replaces glutamic acid with lysine at codon 293 of the GNPTG protein (p.Glu293Lys). The glutamic acid residue is moderately conserved and there is a small physicochemical difference between glutamic acid and lysine. This variant is not present in population databases (ExAC no frequency). This variant has not been reported in the literature in individuals affected with GNPTG-related conditions. Algorithms developed to predict the effect of missense changes on protein structure and function (SIFT, PolyPhen-2, Align-GVGD) all suggest that this variant is likely to be tolerated. In summary, the available evidence is currently insufficient to determine the role of this variant in disease. Therefore, it has been classified as a Variant of Uncertain Significance.

Natera, Inc.
Classification: Uncertain significance for Mucolipidosis III gamma. Last evaluated: 2020-01-17. Review status: no assertion criteria provided. Collection method: clinical testing. Allele origin: germline. Not counted in ClinVar's aggregate classification.

NM_032520.5(GNPTG):c.877G>A (p.Glu293Lys)

Gene: GNPTG (N-acetylglucosamine-1-phosphate transferase subunit gamma; plus strand). Cytogenetic location: 16p13.3.
Variant type: single nucleotide variant.
Coding change: c.877G>A on transcript NM_032520.5 (MANE Select); coding-DNA position 877, G replaced by A.
Protein change: p.Glu293Lys; replaces glutamic acid 293 with lysine.
Molecular consequence: missense variant.
Genome position (GRCh38, 1-based): chr16:1,363,050, G>A. VCF-style: chr16-1363050-G-A. GRCh37 (hg19) VCF-style: chr16-1413051-G-A.
Other names: short protein forms E293K.
Identifiers: ClinVar variation 942779 (VCV000942779.7), dbSNP rs2034963316, ClinGen allele CA394188946.
Genomic context (GRCh38, chr16:1,363,050, plus strand): 5'-TTGGCAGAAACTTCCAACTTGGAGCACTTGGGCCACGAGACGCCCAGAGCCAAGTCTCCA[G>A]AGCAGCTGCGGGGTGACCCAGGACTGCGTGGGAGTTTGTGACCTTGTGGTGGGAGAGCAG-3'
Protein context (NP_115909.1, residues 283-303): GHETPRAKSP[Glu293Lys]QLRGDPGLRG